The following is an entry in ClinVar:

NM_004606.5(TAF1):c.4708C>T (p.Leu1570=)

Gene: TAF1 (TATA-box binding protein associated factor 1; plus strand). Cytogenetic location: Xq13.1.
Variant type: single nucleotide variant.
Coding change: c.4708C>T on transcript NM_004606.5 (MANE Select); coding-DNA position 4708, C replaced by T.
Protein change: p.Leu1570=; no amino-acid change (leucine 1570 retained).
Molecular consequence: synonymous variant. On other transcripts: non-coding transcript variant (9).
Genome position (GRCh38, 1-based): chrX:71,424,193, C>T. VCF-style: chrX-71424193-C-T. GRCh37 (hg19) VCF-style: chrX-70644043-C-T.
Other names: c.4708C>T, p.Leu1570= (NM_001286074.2); c.4645C>T, p.Leu1549= (NM_138923.4); c.4768C>T (NM_001286074.1).
Identifiers: ClinVar variation 696096 (VCV000696096.15), dbSNP rs142496099, ClinGen allele CA10447225.

ClinVar aggregate classification (germline): Benign/Likely benign. Review status: criteria provided, multiple submitters, no conflicts (2 of 4 stars). 6 submissions from 6 submitters: Benign (2); Likely benign (1). 3 of the submissions do not count toward it. Last evaluated 2026-01-05.

Conditions:
TAF1-related disorder. Also called: TAF1-related condition.
X-linked dystonia-parkinsonism (DYT3). Also called: DYT-TAF1; TORSION DYSTONIA-PARKINSONISM, FILIPINO TYPE; Lubag. Identifiers: Orphanet 53351, MedGen C1839130, MONDO:0010747, OMIM 314250.
Intellectual developmental disorder, X-linked, syndromic 33. Also called: X-linked intellectual disability-global development delay-facial dysmorphism-sacral caudal remnant syndrome; Intellectual disability, X-linked, syndromic 33. Identifiers: Orphanet 480907, MedGen C4225418, MONDO:0010500, OMIM 300966.

Allele frequency attached by ClinVar (database versions not stated): gnomAD exomes 0.00186 and 0.00188; gnomAD 0.00176 and 0.00170; TOPMed 0.00106; ESP Exome Variant Server 0.00170; ExAC 0.00180.
gnomAD v4.1: 2,255 of 1,209,035 alleles (0.19%); highest among the groups gnomAD compares: Non-Finnish European, 0.22%; 3 homozygotes.

Submissions (6):

Labcorp Genetics (formerly Invitae), Labcorp
Classification: Benign. Last evaluated: 2026-01-05. Review status: criteria provided, single submitter. Criteria: Invitae Variant Classification Sherloc (09022015). Collection method: clinical testing. Allele origin: germline.

Blueprint Genetics
Classification: Likely benign. Last evaluated: 2024-11-14. Review status: criteria provided, single submitter. Criteria: ACMG Guidelines, 2015. Collection method: clinical testing. Allele origin: germline.

Fulgent Genetics
Classification: Benign for Intellectual developmental disorder, X-linked, syndromic 33; X-linked dystonia-parkinsonism. Last evaluated: 2021-09-21. Review status: criteria provided, single submitter. Criteria: ACMG Guidelines, 2015. Collection method: clinical testing. Allele origin: unknown.

PreventionGenetics, part of Exact Sciences
Classification: Likely benign for TAF1-related condition. Last evaluated: 2024-06-28. Review status: no assertion criteria provided. Collection method: clinical testing. Allele origin: germline. Not counted in ClinVar's aggregate classification.
Comment: This variant is classified as likely benign based on ACMG/AMP sequence variant interpretation guidelines (Richards et al. 2015 PMID: 25741868, with internal and published modifications).

Clinical Genetics DNA and cytogenetics Diagnostics Lab, Erasmus MC, Erasmus Medical Center
Classification: Likely benign. Review status: no assertion criteria provided. Collection method: clinical testing. Allele origin: germline. Affected: yes. Study: VKGL Data-share Consensus. Not counted in ClinVar's aggregate classification.

Diagnostic Laboratory, Department of Genetics, University Medical Center Groningen
Classification: Likely benign. Review status: no assertion criteria provided. Collection method: clinical testing. Allele origin: germline. Affected: yes. Study: VKGL Data-share Consensus. Not counted in ClinVar's aggregate classification.